The following is an entry in ClinVar:

NM_000059.4(BRCA2):c.4305T>G (p.Asn1435Lys)

Gene: BRCA2 (BRCA2 DNA repair associated; plus strand). Cytogenetic location: 13q13.1.
Variant type: single nucleotide variant.
Coding change: c.4305T>G on transcript NM_000059.4 (MANE Select); coding-DNA position 4305, T replaced by G.
Protein change: p.Asn1435Lys; replaces asparagine 1435 with lysine.
Molecular consequence: missense variant.
Genome position (GRCh38, 1-based): chr13:32,338,660, T>G. VCF-style: chr13-32338660-T-G. GRCh37 (hg19) VCF-style: chr13-32912797-T-G.
Other names: short protein forms N1435K.
Identifiers: ClinVar variation 236867 (VCV000236867.10), dbSNP rs878853583, ClinGen allele CA10583104.

ClinVar aggregate classification (germline): Conflicting classifications of pathogenicity. Review status: criteria provided, conflicting classifications (1 of 4 stars). 2 submissions from 2 submitters: Uncertain significance (1); Likely benign (1). Last evaluated 2023-03-23.

Conditions:
Hereditary cancer-predisposing syndrome. Also called: Hereditary neoplastic syndrome; Hereditary Cancer Syndrome; Neoplastic Syndromes, Hereditary; Tumor predisposition. Identifiers: Orphanet 140162, MedGen C0027672, MeSH D009386, MONDO:0015356.
Hereditary breast ovarian cancer syndrome. Also called: BRCA1- and BRCA2-Associated Hereditary Breast and Ovarian Cancer; Hereditary breast and ovarian cancer syndrome; Hereditary breast and ovarian cancer; Hereditary breast and ovarian cancer syndrome (HBOC); Breast and ovarian cancer; Hereditary breast and/or ovarian cancer syndrome. Identifiers: Orphanet 145, MedGen C0677776, MeSH D061325, MONDO:0003582. Disease mechanism: loss of function.

Submissions (2):

University of Washington Department of Laboratory Medicine, University of Washington
Classification: Likely benign for Hereditary cancer-predisposing syndrome. Last evaluated: 2023-03-23. Review status: criteria provided, single submitter. Criteria: Dines et al. (Genet Med. 2020). Collection method: curation. Allele origin: germline.
Comment: Missense variant in a coldspot region where missense variants are very unlikely to be pathogenic (PMID:31911673).

BRCA2 exon 11 coldspot. Reclassification based on statistical prior probability.

Labcorp Genetics (formerly Invitae), Labcorp
Classification: Uncertain significance for Hereditary breast ovarian cancer syndrome. Last evaluated: 2020-02-26. Review status: criteria provided, single submitter. Criteria: Invitae Variant Classification Sherloc (09022015). Collection method: clinical testing. Allele origin: germline.
Comment: Algorithms developed to predict the effect of missense changes on protein structure and function output the following: SIFT: "Tolerated"; PolyPhen-2: "Possibly Damaging"; Align-GVGD: "Class C0". The lysine amino acid residue is found in multiple mammalian species, suggesting that this missense change does not adversely affect protein function. These predictions have not been confirmed by published functional studies and their clinical significance is uncertain. In summary, the available evidence is currently insufficient to determine the role of this variant in disease. Therefore, it has been classified as a Variant of Uncertain Significance. This variant has not been reported in the literature in individuals with BRCA2-related conditions. This variant is not present in population databases (ExAC no frequency). This sequence change replaces asparagine with lysine at codon 1435 of the BRCA2 protein (p.Asn1435Lys). The asparagine residue is moderately conserved and there is a moderate physicochemical difference between asparagine and lysine.